The following is an entry in ClinVar:

ClinVar aggregate classification (germline): Pathogenic/Likely pathogenic. Review status: criteria provided, multiple submitters, no conflicts (2 of 4 stars). 3 submissions from 3 submitters: Pathogenic (1); Likely pathogenic (1). 1 of the submissions does not count toward it. Last evaluated 2025-11-12.

Conditions:
Retinitis pigmentosa 13 (RP13). Also called: PRPF 8-Related Retinitis Pigmentosa. Identifiers: Orphanet 791, MedGen C1838702, MONDO:0010806, OMIM 600059.
Retinal disorder. Also called: Retinal disorders; Retinopathy; Retinopathies; Retinal Diseases. Identifiers: MedGen C0035309, MONDO:0005283, HP:0000488.

Submissions (3):

Genetics Laboratory, Great Ormond Street Hospital NHS Foundation Trust, North Thames Genomic Laboratory Hub
Classification: Likely pathogenic for Retinal disorders. Last evaluated: 2025-11-12. Review status: criteria provided, single submitter. Criteria: ACGS Best Practice Guidelines for Variant Classification in Rare Disease 2024 v1.2. Collection method: clinical testing. Allele origin: germline. Affected: yes.
Comment: PM2_moderate, PP3_supporting, PS1_moderate, PM5_moderate

Labcorp Genetics (formerly Invitae), Labcorp
Classification: Pathogenic. Last evaluated: 2022-10-17. Review status: criteria provided, single submitter. Criteria: Invitae Variant Classification Sherloc (09022015). Collection method: clinical testing. Allele origin: germline.
Comment: For these reasons, this variant has been classified as Pathogenic. This variant disrupts the p.Arg2310 amino acid residue in PRPF8. Other variant(s) that disrupt this residue have been determined to be pathogenic (PMID: 11468273, 12714658, 16799052, 28515276). This suggests that this residue is clinically significant, and that variants that disrupt this residue are likely to be disease-causing. Advanced modeling of protein sequence and biophysical properties (such as structural, functional, and spatial information, amino acid conservation, physicochemical variation, residue mobility, and thermodynamic stability) performed at Invitae indicates that this missense variant is expected to disrupt PRPF8 protein function. ClinVar contains an entry for this variant (Variation ID: 30667). This missense change has been observed in individuals with autosomal dominant retinitis pigmentosa (PMID: 20232351, 30360737). It has also been observed to segregate with disease in related individuals. This variant is not present in population databases (gnomAD no frequency). This sequence change replaces arginine, which is basic and polar, with serine, which is neutral and polar, at codon 2310 of the PRPF8 protein (p.Arg2310Ser).

OMIM
Classification: Pathogenic for RETINITIS PIGMENTOSA 13. Last evaluated: 2011-12-02. Review status: no assertion criteria provided. Collection method: literature only. Allele origin: germline. Not counted in ClinVar's aggregate classification.

Literature cited by the submitters: PubMed 11468273 (cited by Labcorp Genetics (formerly Invitae), Labcorp); PubMed 12714658 (cited by Labcorp Genetics (formerly Invitae), Labcorp); PubMed 16799052 (cited by Labcorp Genetics (formerly Invitae), Labcorp); PubMed 28515276 (cited by Labcorp Genetics (formerly Invitae), Labcorp); PubMed 20232351 (cited by Labcorp Genetics (formerly Invitae), Labcorp); PubMed 30360737 (cited by Labcorp Genetics (formerly Invitae), Labcorp); PubMed 22039234 (cited by OMIM).

NM_006445.4(PRPF8):c.6930G>C (p.Arg2310Ser)

Gene: PRPF8 (pre-mRNA processing factor 8; minus strand). Cytogenetic location: 17p13.3.
Variant type: single nucleotide variant.
Coding change: c.6930G>C on transcript NM_006445.4 (MANE Select); coding-DNA position 6930, G replaced by C.
Protein change: p.Arg2310Ser; replaces arginine 2310 with serine.
Molecular consequence: missense variant.
Genome position (GRCh38, 1-based): chr17:1,650,880, C>G on the plus strand (G>C on the coding strand, the complement: PRPF8 is on the minus strand). VCF-style: chr17-1650880-C-G. GRCh37 (hg19) VCF-style: chr17-1554174-C-G.
Other names: R2310S.
Identifiers: ClinVar variation 30667 (VCV000030667.7), dbSNP rs1911001854, ClinGen allele CA397562014.